The following is an entry in ClinVar:

NM_000038.6(APC):c.1192A>C (p.Lys398Gln)

Gene: APC (APC regulator of Wnt signaling pathway; plus strand). Cytogenetic location: 5q22.2.
Variant type: single nucleotide variant.
Coding change: c.1192A>C on transcript NM_000038.6 (MANE Select); coding-DNA position 1192, A replaced by C.
Protein change: p.Lys398Gln; replaces lysine 398 with glutamine.
Molecular consequence: missense variant. On other transcripts: intron variant (4).
Genome position (GRCh38, 1-based): chr5:112,819,224, A>C. VCF-style: chr5-112819224-A-C. GRCh37 (hg19) VCF-style: chr5-112154921-A-C.
Other names: c.1192A>C, p.Lys398Gln (NM_001127510.3, NM_001354895.2, NM_001354896.2); c.1138A>C, p.Lys380Gln (NM_001127511.3); c.1222A>C, p.Lys408Gln (NM_001354897.2); c.1117A>C, p.Lys373Gln (NM_001354898.2); c.1108A>C, p.Lys370Gln (NM_001354899.2); c.1015A>C, p.Lys339Gln (NM_001354900.2, NM_001354901.2); c.343A>C, p.Lys115Gln (NM_001354906.2); c.964-45A>C (NM_001354902.2); and 3 more; short protein forms K398Q, K380Q, K339Q, K370Q, K373Q, K115Q, K408Q.
Identifiers: ClinVar variation 567199 (VCV000567199.30), dbSNP rs765196085, ClinGen allele CA026858.
Genomic context (GRCh38, chr5:112,819,224, plus strand): 5'-GAGGCTCGGGCCAGGGCCAGTGCAGCACTCCACAACATCATTCACTCACAGCCTGATGAC[A>C]AGAGAGGCAGGCGTGAAATCCGAGTCCTTCATCTTTTGGAACAGATACGCGCTTACTGTG-3'
Protein context (NP_000029.2, residues 388-408): HNIIHSQPDD[Lys398Gln]RGRREIRVLH

ClinVar aggregate classification (germline): Conflicting classifications of pathogenicity. Review status: criteria provided, conflicting classifications (1 of 4 stars). 11 submissions from 11 submitters: Uncertain significance (10); Likely benign (1). Last evaluated 2026-01-13.

Conditions:
Classic or attenuated familial adenomatous polyposis. Identifiers: MedGen CN372698, MONDO:0021057.
Familial adenomatous polyposis 1 (FAP1). Also called: FAMILIAL ADENOMATOUS POLYPOSIS 1, ATTENUATED; POLYPOSIS, ADENOMATOUS INTESTINAL. Identifiers: MedGen C2713442, MONDO:0021056, OMIM 175100. Disease mechanism: loss of function.
Desmoid disease, hereditary (DESMD). Also called: FIBROMATOSIS, FAMILIAL INFILTRATIVE. Identifiers: Orphanet 873, MedGen C1851124, OMIM 135290. Disease mechanism: loss of function.
Gastric adenocarcinoma and proximal polyposis of the stomach (GAPPS). Also called: POLYPOSIS, GASTRIC; Gastric Adenocarcinoma and Proximal Polyposis of the Stomach (GAPPS); Polyposis, gastric, Dos Santos and de Magalhaes 1980. Identifiers: Orphanet 314022, MedGen C4749917, MONDO:0017790, OMIM 619182.
Hepatocellular carcinoma (HCC). Also called: Primary carcinoma of liver; HEPATOMA; LIVER CELL CARCINOMA. Identifiers: Orphanet 88673, MedGen C2239176, MONDO:0007256, OMIM 114550, HP:0001402.
Colorectal cancer. Also called: Malignant Colorectal Neoplasm; Colorectal cancer, somatic. Identifiers: MedGen C0346629, MONDO:0005575, OMIM 114500.
Gastric cancer. Also called: Malignant tumor of stomach; Stomach cancer. Identifiers: MedGen C0024623, MeSH D013274, MONDO:0001056, OMIM 613659, HP:0012126.
Hereditary cancer-predisposing syndrome. Also called: Hereditary neoplastic syndrome; Neoplastic Syndromes, Hereditary; Hereditary Cancer Syndrome; Tumor predisposition. Identifiers: Orphanet 140162, MedGen C0027672, MeSH D009386, MONDO:0015356.

Allele frequency attached by ClinVar (database versions not stated): ExAC 0.00001; gnomAD 0.00001; gnomAD exomes 0.00001 and 0.00002; TOPMed 0.00001.
gnomAD v4.1: 29 of 1,613,858 alleles (0.0018%); highest among the groups gnomAD compares: Non-Finnish European, 0.0023%; no homozygotes.

Submissions (11):

Labcorp Genetics (formerly Invitae), Labcorp
Classification: Uncertain significance for Familial adenomatous polyposis 1. Last evaluated: 2026-01-13. Review status: criteria provided, single submitter. Criteria: Invitae Variant Classification Sherloc (09022015). Collection method: clinical testing. Allele origin: germline.
Comment: This sequence change replaces lysine, which is basic and polar, with glutamine, which is neutral and polar, at codon 398 of the APC protein (p.Lys398Gln). This variant is present in population databases (rs765196085, gnomAD 0.003%). This variant has not been reported in the literature in individuals affected with APC-related conditions. ClinVar contains an entry for this variant (Variation ID: 567199). Invitae Evidence Modeling of protein sequence and biophysical properties (such as structural, functional, and spatial information, amino acid conservation, physicochemical variation, residue mobility, and thermodynamic stability) indicates that this missense variant is not expected to disrupt APC protein function with a negative predictive value of 95%. In summary, the available evidence is currently insufficient to determine the role of this variant in disease. Therefore, it has been classified as a Variant of Uncertain Significance.

Center for Genomic Medicine, Rigshospitalet, Copenhagen University Hospital
Classification: Likely benign. Last evaluated: 2025-03-04. Review status: criteria provided, single submitter. Criteria: ACMG Guidelines, 2015. Collection method: clinical testing. Allele origin: germline.

Fulgent Genetics
Classification: Uncertain significance for Colorectal cancer; Hepatocellular carcinoma; Desmoid disease, hereditary; Familial adenomatous polyposis 1; Gastric cancer; Gastric adenocarcinoma and proximal polyposis of the stomach. Last evaluated: 2024-06-24. Review status: criteria provided, single submitter. Criteria: ACMG Guidelines, 2015. Collection method: clinical testing. Allele origin: germline.

Blueprint Genetics
Classification: Uncertain significance. Last evaluated: 2024-04-15. Review status: criteria provided, single submitter. Criteria: ACMG Guidelines, 2015. Collection method: clinical testing. Allele origin: germline.

Women's Health and Genetics/Laboratory Corporation of America, LabCorp
Classification: Uncertain significance. Last evaluated: 2024-03-15. Review status: criteria provided, single submitter. Criteria: LabCorp Variant Classification Summary - May 2015. Collection method: clinical testing. Allele origin: germline.
Comment: Variant summary: APC c.1192A>C (p.Lys398Gln) results in a conservative amino acid change in the encoded protein sequence. Three of five in-silico tools predict a benign effect of the variant on protein function. The variant allele was found at a frequency of 1.2e-05 in 250526 control chromosomes. The available data on variant occurrences in the general population are insufficient to allow any conclusion about variant significance. To our knowledge, no occurrence of c.1192A>C in individuals affected with Familial Adenomatous Polyposis and no experimental evidence demonstrating its impact on protein function have been reported. ClinVar contains an entry for this variant (Variation ID: 567199). Based on the evidence outlined above, the variant was classified as uncertain significance.

Ambry Genetics
Classification: Uncertain significance for Hereditary cancer-predisposing syndrome. Last evaluated: 2023-12-11. Review status: criteria provided, single submitter. Criteria: Ambry Variant Classification Scheme 2023. Collection method: clinical testing. Allele origin: germline.
Comment: The p.K398Q variant (also known as c.1192A>C), located in coding exon 9 of the APC gene, results from an A to C substitution at nucleotide position 1192. The lysine at codon 398 is replaced by glutamine, an amino acid with similar properties. This amino acid position is highly conserved in available vertebrate species. In addition, in silico predictors for this gene do not accurately predict pathogenicity. Since supporting evidence is limited at this time, the clinical significance of this alteration remains unclear.

All of Us Research Program, National Institutes of Health
Classification: Uncertain significance for Classic or attenuated familial adenomatous polyposis. Last evaluated: 2023-11-28. Review status: criteria provided, single submitter. Criteria: ACMG Guidelines, 2015. Collection method: clinical testing. Allele origin: germline. Inheritance: Autosomal dominant inheritance. Observed: 4 variant alleles, 4 heterozygotes.
Comment: This missense variant replaces lysine with glutamine at codon 398 of the APC protein. Computational prediction suggests that this variant may not impact protein structure and function (internally defined REVEL score threshold <= 0.5, PMID: 27666373). To our knowledge, functional studies have not been reported for this variant. This variant has not been reported in individuals affected with APC-related disorders in the literature. This variant has been identified in 3/250526 chromosomes in the general population by the Genome Aggregation Database (gnomAD). The available evidence is insufficient to determine the role of this variant in disease conclusively. Therefore, this variant is classified as a Variant of Uncertain Significance.

This study involves interpretation of variants in research participants for the purpose of population health screening. Participant phenotype was not available at the time of variant classification. Additional details can be found in publication PMID: 35346344, PMCID: PMC8962531

Baylor Genetics
Classification: Uncertain significance for Familial adenomatous polyposis 1. Last evaluated: 2023-10-04. Review status: criteria provided, single submitter. Criteria: ACMG Guidelines, 2015. Collection method: clinical testing. Allele origin: unknown.

Color Diagnostics, LLC DBA Color Health
Classification: Uncertain significance for Hereditary cancer-predisposing syndrome. Last evaluated: 2023-07-21. Review status: criteria provided, single submitter. Criteria: ACMG Guidelines, 2015. Collection method: clinical testing. Allele origin: germline.
Comment: This missense variant replaces lysine with glutamine at codon 398 of the APC protein. Computational prediction suggests that this variant may not impact protein structure and function (internally defined REVEL score threshold <= 0.5, PMID: 27666373). To our knowledge, functional studies have not been reported for this variant. This variant has not been reported in individuals affected with APC-related disorders in the literature. This variant has been identified in 3/250526 chromosomes in the general population by the Genome Aggregation Database (gnomAD). The available evidence is insufficient to determine the role of this variant in disease conclusively. Therefore, this variant is classified as a Variant of Uncertain Significance.

GeneDx
Classification: Uncertain significance. Last evaluated: 2022-01-11. Review status: criteria provided, single submitter. Criteria: GeneDx Variant Classification Process June 2021. Collection method: clinical testing. Allele origin: germline. Affected: yes.
Comment: Not observed at significant frequency in large population cohorts (gnomAD); In silico analysis supports that this missense variant does not alter protein structure/function; Has not been previously published as pathogenic or benign to our knowledge

Quest Diagnostics Nichols Institute San Juan Capistrano
Classification: Uncertain significance. Last evaluated: 2018-07-10. Review status: criteria provided, single submitter. Criteria: Quest Diagnostics criteria. Collection method: clinical testing. Allele origin: germline.